The following is an entry in ClinVar:

ClinVar aggregate classification (germline): Uncertain significance. Review status: criteria provided, multiple submitters, no conflicts (2 of 4 stars). 2 submissions from 2 submitters: Uncertain significance (2). Last evaluated 2026-01-21.

Conditions:
Hypertrophic cardiomyopathy. Also called: HYPERTROPHIC MYOCARDIOPATHY. Identifiers: Orphanet 217569, MedGen C0007194, MeSH D002312, MONDO:0005045, HP:0001639.
Cardiovascular phenotype. Identifiers: MedGen CN230736.

Allele frequency attached by ClinVar (database versions not stated): gnomAD exomes below 0.00001; gnomAD 0.00001 and 0.00002.
gnomAD v4.1: 3 of 1,613,546 alleles (0.00019%); highest among the groups gnomAD compares: African/African-American, 0.0027%; no homozygotes.

Submissions (2):

Labcorp Genetics (formerly Invitae), Labcorp
Classification: Uncertain significance for Hypertrophic cardiomyopathy. Last evaluated: 2026-01-21. Review status: criteria provided, single submitter. Criteria: Invitae Variant Classification Sherloc (09022015). Collection method: clinical testing. Allele origin: germline.
Comment: This sequence change replaces lysine, which is basic and polar, with arginine, which is basic and polar, at codon 67 of the MYOZ2 protein (p.Lys67Arg). This variant is present in population databases (no rsID available, gnomAD 0.008%). This variant has not been reported in the literature in individuals affected with MYOZ2-related conditions. ClinVar contains an entry for this variant (Variation ID: 1520010). Invitae Evidence Modeling of protein sequence and biophysical properties (such as structural, functional, and spatial information, amino acid conservation, physicochemical variation, residue mobility, and thermodynamic stability) indicates that this missense variant is not expected to disrupt MYOZ2 protein function with a negative predictive value of 80%. In summary, the available evidence is currently insufficient to determine the role of this variant in disease. Therefore, it has been classified as a Variant of Uncertain Significance.

Ambry Genetics
Classification: Uncertain significance for Cardiovascular phenotype. Last evaluated: 2025-04-29. Review status: criteria provided, single submitter. Criteria: Ambry Variant Classification Scheme 2023. Collection method: clinical testing. Allele origin: germline.

NM_016599.5(MYOZ2):c.200A>G (p.Lys67Arg)

Gene: MYOZ2 (myozenin 2; plus strand). Cytogenetic location: 4q26.
Variant type: single nucleotide variant.
Coding change: c.200A>G on transcript NM_016599.5 (MANE Select); coding-DNA position 200, A replaced by G.
Protein change: p.Lys67Arg; replaces lysine 67 with arginine.
Molecular consequence: missense variant.
Genome position (GRCh38, 1-based): chr4:119,150,995, A>G. VCF-style: chr4-119150995-A-G. GRCh37 (hg19) VCF-style: chr4-120072150-A-G.
Other names: c.200A>G (NM_016599.4); short protein forms K67R.
Identifiers: ClinVar variation 1520010 (VCV001520010.8), dbSNP rs1215550950, ClinGen allele CA358203656.
Genomic context (GRCh38, chr4:119,150,995, plus strand): 5'-TATCCCATCTCAGTAACCGTGGTGCCAGGCTATTTAAGATGCGTCAAAGAAGATCTGACA[A>G]ATACACATTTGAAAATTTCCAGTATCAATCTAGAGCACAAATAAATGTAGGTATAACTTG-3'
Protein context (NP_057683.1, residues 57-77): LFKMRQRRSD[Lys67Arg]YTFENFQYQS